The following is an entry in ClinVar:

ClinVar aggregate classification (germline): Uncertain significance (1 of 4 stars; one submission).

Conditions:
Hereditary cancer-predisposing syndrome. Also called: Tumor predisposition; Hereditary neoplastic syndrome; Neoplastic Syndromes, Hereditary; Hereditary Cancer Syndrome. Identifiers: Orphanet 140162, MedGen C0027672, MeSH D009386, MONDO:0015356.

gnomAD v4.1: 1 of 1,614,214 alleles (0.000062%); highest among the groups gnomAD compares: Non-Finnish European, 0.000085%; no homozygotes.

Submission:

Ambry Genetics
Classification: Uncertain significance for Hereditary cancer-predisposing syndrome. Last evaluated: 2025-04-08. Review status: criteria provided, single submitter. Criteria: Ambry Variant Classification Scheme 2023. Collection method: clinical testing. Allele origin: germline.
Comment: The c.684-3C>T intronic variant results from a C to T substitution 3 nucleotides upstream from coding exon 6 in the CDK4 gene. This nucleotide position is not well conserved in available vertebrate species. In silico splice site analysis predicts that this alteration will not have any significant effect on splicing. Based on the available evidence, the clinical significance of this variant remains unclear.

NM_000075.4(CDK4):c.684-3C>T

Genes: CDK4 (cyclin dependent kinase 4; minus strand), TSPAN31 (tetraspanin 31; plus strand). Cytogenetic location: 12q14.1.
Variant type: single nucleotide variant.
Coding change: c.684-3C>T on transcript NM_000075.4 (MANE Select); 3 bases into the intron before coding-DNA position 684, C replaced by T.
Molecular consequence: intron variant. On other transcripts: 3 prime UTR variant (3).
Genome position (GRCh38, 1-based): chr12:57,749,320, G>A on the plus strand (C>T on the coding strand, the complement: CDK4 is on the minus strand). VCF-style: chr12-57749320-G-A. GRCh37 (hg19) VCF-style: chr12-58143103-G-A.
Other names: c.*2030G>A (NM_001330168.2, NM_001330169.2, NM_005981.5).
Identifiers: ClinVar variation 3999641 (VCV003999641.1).